The following is an entry in ClinVar:

NM_004655.4(AXIN2):c.2251A>G (p.Lys751Glu)

Gene: AXIN2 (axin 2; minus strand). Cytogenetic location: 17q24.1.
Variant type: single nucleotide variant.
Coding change: c.2251A>G on transcript NM_004655.4 (MANE Select); coding-DNA position 2251, A replaced by G.
Protein change: p.Lys751Glu; replaces lysine 751 with glutamic acid.
Molecular consequence: missense variant.
Genome position (GRCh38, 1-based): chr17:65,534,066, T>C on the plus strand (A>G on the coding strand, the complement: AXIN2 is on the minus strand). VCF-style: chr17-65534066-T-C. GRCh37 (hg19) VCF-style: chr17-63530184-T-C.
Other names: c.2056A>G, p.Lys686Glu (NM_001363813.1); short protein forms K686E, K751E.
Identifiers: ClinVar variation 820968 (VCV000820968.12), dbSNP rs1598094100, ClinGen allele CA400675651.

ClinVar aggregate classification (germline): Uncertain significance. Review status: criteria provided, multiple submitters, no conflicts (2 of 4 stars). 2 submissions from 2 submitters: Uncertain significance (2). Last evaluated 2023-11-28.

Conditions:
Oligodontia-cancer predisposition syndrome. Also called: TOOTH AGENESIS-COLORECTAL CANCER SYNDROME. Identifiers: Orphanet 300576, MedGen C1837750, MONDO:0012075, OMIM 608615. Disease mechanism: loss of function.
Hereditary cancer-predisposing syndrome. Also called: Neoplastic Syndromes, Hereditary; Tumor predisposition; Hereditary Cancer Syndrome; Hereditary neoplastic syndrome. Identifiers: Orphanet 140162, MedGen C0027672, MeSH D009386, MONDO:0015356.

Allele frequency attached by ClinVar (database versions not stated): gnomAD exomes below 0.00001.
gnomAD v4.1: 2 of 1,614,252 alleles (0.00012%); highest among the groups gnomAD compares: Non-Finnish European, 0.00017%; no homozygotes.

Submissions (2):

Labcorp Genetics (formerly Invitae), Labcorp
Classification: Uncertain significance for Oligodontia-cancer predisposition syndrome. Last evaluated: 2023-11-28. Review status: criteria provided, single submitter. Criteria: Invitae Variant Classification Sherloc (09022015). Collection method: clinical testing. Allele origin: germline.
Comment: This sequence change replaces lysine, which is basic and polar, with glutamic acid, which is acidic and polar, at codon 751 of the AXIN2 protein (p.Lys751Glu). This variant is not present in population databases (gnomAD no frequency). This variant has not been reported in the literature in individuals affected with AXIN2-related conditions. ClinVar contains an entry for this variant (Variation ID: 820968). Advanced modeling of protein sequence and biophysical properties (such as structural, functional, and spatial information, amino acid conservation, physicochemical variation, residue mobility, and thermodynamic stability) performed at Invitae indicates that this missense variant is not expected to disrupt AXIN2 protein function with a negative predictive value of 80%. In summary, the available evidence is currently insufficient to determine the role of this variant in disease. Therefore, it has been classified as a Variant of Uncertain Significance.

Ambry Genetics
Classification: Uncertain significance for Hereditary cancer-predisposing syndrome. Last evaluated: 2022-06-13. Review status: criteria provided, single submitter. Criteria: Ambry Variant Classification Scheme 2023. Collection method: clinical testing. Allele origin: germline.
Comment: The p.K751E variant (also known as c.2251A>G), located in coding exon 9 of the AXIN2 gene, results from an A to G substitution at nucleotide position 2251. The lysine at codon 751 is replaced by glutamic acid, an amino acid with similar properties. This amino acid position is well conserved in available vertebrate species. In addition, the in silico prediction for this alteration is inconclusive. Since supporting evidence is limited at this time, the clinical significance of this alteration remains unclear.